The following is an entry in ClinVar:

ClinVar aggregate classification (germline): Likely benign. Review status: criteria provided, multiple submitters, no conflicts (2 of 4 stars). 2 submissions from 2 submitters: Likely benign (2). Last evaluated 2026-06-12.

Conditions:
Polyps, multiple and recurrent inflammatory fibroid, gastrointestinal. Identifiers: MedGen C5193005, MONDO:0008285, OMIM 175510.
Gastrointestinal stromal tumor. Also called: Gastrointestinal stromal tumor, somatic; Gastrointestinal stroma tumor. Identifiers: Orphanet 44890, MedGen C0238198, MeSH D046152, MONDO:0011719, OMIM 606764, HP:0100723.

Allele frequency attached by ClinVar (database versions not stated): TOPMed 0.00002.

Submissions (2):

Myriad Genetics, Inc.
Classification: Likely benign for Polyps, multiple and recurrent inflammatory fibroid, gastrointestinal. Last evaluated: 2026-06-12. Review status: criteria provided, single submitter. Criteria: Myriad Autosomal Dominant, Autosomal Recessive and X-Linked Classification Criteria (2023). Collection method: clinical testing. Allele origin: unknown.
Comment: This variant is considered likely benign. This variant is intronic and is not expected to impact mRNA splicing.

Labcorp Genetics (formerly Invitae), Labcorp
Classification: Likely benign for Gastrointestinal stromal tumor. Last evaluated: 2025-11-10. Review status: criteria provided, single submitter. Criteria: Invitae Variant Classification Sherloc (09022015). Collection method: clinical testing. Allele origin: germline.

NM_006206.6(PDGFRA):c.932-15C>T

Gene: PDGFRA (platelet derived growth factor receptor alpha; plus strand). Cytogenetic location: 4q12.
Variant type: single nucleotide variant.
Coding change: c.932-15C>T on transcript NM_006206.6 (MANE Select); 15 bases into the intron before coding-DNA position 932, C replaced by T.
Molecular consequence: intron variant.
Genome position (GRCh38, 1-based): chr4:54,267,537, C>T. VCF-style: chr4-54267537-C-T. GRCh37 (hg19) VCF-style: chr4-55133704-C-T.
Other names: c.1007-15C>T (NM_001347828.2); c.932-15C>T (NM_001347827.2, NM_001347829.2); c.971-15C>T (NM_001347830.2).
Identifiers: ClinVar variation 1569276 (VCV001569276.9), dbSNP rs1432165361, ClinGen allele CA796289541.